The following is an entry in ClinVar:

NM_001497.4(B4GALT1):c.960-61_964dup

Gene: B4GALT1 (beta-1,4-galactosyltransferase 1; minus strand). Cytogenetic location: 9p21.1.
Variant type: Duplication.
Coding change: c.960-61_964dup on transcript NM_001497.4 (MANE Select); 61 bases into the intron before coding-DNA position 960 through coding-DNA position 964, 66 bases duplicated.
Molecular consequence: splice acceptor variant. On other transcripts: intron variant (1).
Genome position (GRCh38, 1-based): chr9:33,113,874-33,113,939, 66 bases duplicated. GRCh37 (hg19): chr9:33,113,873-33,113,938.
Other names: c.649-9158_649-9093dup (NM_001378497.1); c.837-61_841dup (NM_001378496.1); c.921-61_925dup (NM_001378495.1).
Identifiers: ClinVar variation 3767815 (VCV003767815.1).

ClinVar aggregate classification (germline): Uncertain significance (1 of 4 stars; one submission).

Submission:

GeneDx
Classification: Uncertain significance. Last evaluated: 2024-09-06. Review status: criteria provided, single submitter. Criteria: GeneDx Variant Classification Process June 2021. Collection method: clinical testing. Allele origin: germline. Affected: yes.
Comment: Not observed at significant frequency in large population cohorts (gnomAD); In-frame insertion of 22 amino acid(s) in a non-repeat region; Has not been previously published as pathogenic or benign to our knowledge